The following is an entry in ClinVar:

NM_001110556.2(FLNA):c.3921C>T (p.Thr1307=)

Gene: FLNA (filamin A; minus strand). Cytogenetic location: Xq28.
Variant type: single nucleotide variant.
Coding change: c.3921C>T on transcript NM_001110556.2 (MANE Select); coding-DNA position 3921, C replaced by T.
Protein change: p.Thr1307=; no amino-acid change (threonine 1307 retained).
Molecular consequence: synonymous variant.
Genome position (GRCh38, 1-based): chrX:154,359,790, G>A on the plus strand (C>T on the coding strand, the complement: FLNA is on the minus strand). VCF-style: chrX-154359790-G-A. GRCh37 (hg19) VCF-style: chrX-153588158-G-A.
Other names: c.3921C>T, p.Thr1307= (NM_001456.4); c.3921C>T (NM_001110556.1).
Identifiers: ClinVar variation 1182889 (VCV001182889.11), dbSNP rs2067690590, ClinGen allele CA519707893.
Genomic context (GRCh38, chrX:154,359,790, plus strand): 5'-ACCCTCCTCGTAAGGCGTGTACTCCACTTTGTACATGCCATCGCCACGGTCCTGAACGTA[G>A]GTCTCCGTCAGGTTGCCTGAGGGGTTGGCCACACGGGCCTTGACGTGCGGCCCTCCGGTC-3'
Protein context (NP_001104026.1, residues 1297-1317): VANPSGNLTE[Thr1307=]YVQDRGDGMY

ClinVar aggregate classification (germline): Likely benign. Review status: criteria provided, multiple submitters, no conflicts (2 of 4 stars). 3 submissions from 3 submitters: Likely benign (3). Last evaluated 2026-02-03.

Conditions:
Oto-palato-digital syndrome, type II (OPD2). Also called: FACIOPALATOOSSEOUS SYNDROME; Otopalatodigital Syndrome Type 2 (FLNA-OPD2); Otopalatodigital Syndrome, Type II; OPD II SYNDROME. Identifiers: Orphanet 669, Orphanet 90652, MedGen C1844696, MONDO:0010571, OMIM 304120.
Melnick-Needles syndrome (MNS). Also called: MELNICK-NEEDLES OSTEODYSPLASTY; Melnick-Needles Syndrome (FLNA-MNS); OSTEODYSPLASTY OF MELNICK AND NEEDLES. Identifiers: Orphanet 2484, MedGen C0025237, MONDO:0010650, OMIM 309350.
Frontometaphyseal dysplasia (FMD1). Identifiers: Orphanet 1826, MedGen C0265293, MONDO:0015942.
Heterotopia, periventricular, X-linked dominant (PVNH1). Also called: PERIVENTRICULAR NODULAR HETEROTOPIA 4; HETEROTOPIA, PERIVENTRICULAR, 1; X-linked periventricular heterotopia; PERIVENTRICULAR NODULAR HETEROTOPIA 1. Identifiers: Orphanet 2149, Orphanet 82004, MedGen C1848213, MONDO:0010233, OMIM 300049.
FLNA-related disorder.

Allele frequency attached by ClinVar (database versions not stated): gnomAD 0.00001; TOPMed 0.00001.
gnomAD v4.1: 2 of 1,209,367 alleles (0.00017%); highest among the groups gnomAD compares: Admixed American, 0.0022%; no homozygotes.

Submissions (3):

PreventionGenetics, part of Exact Sciences
Classification: Likely benign for FLNA-related condition. Last evaluated: 2026-02-03. Review status: criteria provided, single submitter. Criteria: ACMG Guidelines, 2015. Collection method: clinical testing. Allele origin: germline.
Comment: This variant is classified as likely benign based on ACMG/AMP sequence variant interpretation guidelines (Richards et al. 2015 PMID: 25741868, with internal and published modifications).

Labcorp Genetics (formerly Invitae), Labcorp
Classification: Likely benign for Oto-palato-digital syndrome, type II; Heterotopia, periventricular, X-linked dominant; Frontometaphyseal dysplasia; Melnick-Needles syndrome. Last evaluated: 2026-01-07. Review status: criteria provided, single submitter. Criteria: Invitae Variant Classification Sherloc (09022015). Collection method: clinical testing. Allele origin: germline.

GeneDx
Classification: Likely benign. Last evaluated: 2018-07-18. Review status: criteria provided, single submitter. Criteria: GeneDx Variant Classification Process June 2021. Collection method: clinical testing. Allele origin: germline. Affected: yes.